The following is an entry in ClinVar:

ClinVar aggregate classification (germline): Uncertain significance (1 of 4 stars; one submission).

Allele frequency attached by ClinVar (database versions not stated): gnomAD 0.00001; gnomAD exomes 0.00003; TOPMed 0.00003.
gnomAD v4.1: 46 of 1,613,620 alleles (0.0029%); highest among the groups gnomAD compares: Non-Finnish European, 0.0037%; no homozygotes.

Submission:

Labcorp Genetics (formerly Invitae), Labcorp
Classification: Uncertain significance. Last evaluated: 2025-01-30. Review status: criteria provided, single submitter. Criteria: Invitae Variant Classification Sherloc (09022015). Collection method: clinical testing. Allele origin: germline.
Comment: This sequence change replaces aspartic acid, which is acidic and polar, with asparagine, which is neutral and polar, at codon 581 of the CAMK2B protein (p.Asp581Asn). This variant is present in population databases (no rsID available, gnomAD 0.0009%). This variant has not been reported in the literature in individuals affected with CAMK2B-related conditions. ClinVar contains an entry for this variant (Variation ID: 2414233). An algorithm developed to predict the effect of missense changes on protein structure and function (PolyPhen-2) suggests that this variant is likely to be disruptive. In summary, the available evidence is currently insufficient to determine the role of this variant in disease. Therefore, it has been classified as a Variant of Uncertain Significance.

NM_001220.5(CAMK2B):c.1741G>A (p.Asp581Asn)

Gene: CAMK2B (calcium/calmodulin dependent protein kinase II beta; minus strand). Cytogenetic location: 7p13.
Variant type: single nucleotide variant.
Coding change: c.1741G>A on transcript NM_001220.5 (MANE Select); coding-DNA position 1741, G replaced by A.
Protein change: p.Asp581Asn; replaces aspartic acid 581 with asparagine.
Molecular consequence: missense variant. On other transcripts: intron variant (1).
Genome position (GRCh38, 1-based): chr7:44,220,643, C>T on the plus strand (G>A on the coding strand, the complement: CAMK2B is on the minus strand). VCF-style: chr7-44220643-C-T. GRCh37 (hg19) VCF-style: chr7-44260242-C-T.
Other names: c.1369G>A, p.Asp457Asn (NM_001293170.2, NM_172078.3); c.1297G>A, p.Asp433Asn (NM_172079.3); c.1294G>A, p.Asp432Asn (NM_172080.3); c.1252G>A, p.Asp418Asn (NM_172081.3); c.1180G>A, p.Asp394Asn (NM_172083.3); c.1090G>A, p.Asp364Asn (NM_172084.3); c.1230-11G>A (NM_172082.3); short protein forms D364N, D394N, D418N, D432N, D433N, D457N, D581N.
Identifiers: ClinVar variation 2414233 (VCV002414233.6), dbSNP rs1327333288, ClinGen allele CA367369496.
Genomic context (GRCh38, chr7:44,220,643, plus strand): 5'-CCCCCTCATGCCCACCCGGGCTTCCTCACTCACGGTTCTCGAAGTAGAATCTGTGGAAGT[C>T]CATCCCTTCAACCAGGTTGCCCAGTGCTTCAGGCTCAAACGAGGTCAGCCCTGGGTCACA-3'
Protein context (NP_001211.3, residues 571-591): EALGNLVEGM[Asp581Asn]FHRFYFENLL